The following is an entry in ClinVar:

NM_000059.4(BRCA2):c.8772G>C (p.Glu2924Asp)

Gene: BRCA2 (BRCA2 DNA repair associated; plus strand). Cytogenetic location: 13q13.1.
Variant type: single nucleotide variant.
Coding change: c.8772G>C on transcript NM_000059.4 (MANE Select); coding-DNA position 8772, G replaced by C.
Protein change: p.Glu2924Asp; replaces glutamic acid 2924 with aspartic acid.
Molecular consequence: missense variant.
Genome position (GRCh38, 1-based): chr13:32,379,334, G>C. VCF-style: chr13-32379334-G-C. GRCh37 (hg19) VCF-style: chr13-32953471-G-C.
Other names: short protein forms E2924D.
Identifiers: ClinVar variation 575703 (VCV000575703.14), dbSNP rs863224318, ClinGen allele CA387755812.

ClinVar aggregate classification (germline): Uncertain significance. Review status: criteria provided, multiple submitters, no conflicts (2 of 4 stars). 3 submissions from 3 submitters: Uncertain significance (3). Last evaluated 2025-08-13.

Conditions:
Hereditary breast ovarian cancer syndrome. Also called: Hereditary breast and ovarian cancer; Breast and ovarian cancer; Hereditary breast and ovarian cancer syndrome; BRCA1- and BRCA2-Associated Hereditary Breast and Ovarian Cancer; Hereditary breast and/or ovarian cancer syndrome; Hereditary breast and ovarian cancer syndrome (HBOC). Identifiers: Orphanet 145, MedGen C0677776, MeSH D061325, MONDO:0003582. Disease mechanism: loss of function.
Hereditary cancer-predisposing syndrome. Also called: Tumor predisposition; Hereditary neoplastic syndrome; Hereditary Cancer Syndrome; Neoplastic Syndromes, Hereditary. Identifiers: Orphanet 140162, MedGen C0027672, MeSH D009386, MONDO:0015356.

Submissions (3):

Labcorp Genetics (formerly Invitae), Labcorp
Classification: Uncertain significance for Hereditary breast ovarian cancer syndrome. Last evaluated: 2025-08-13. Review status: criteria provided, single submitter. Criteria: Invitae Variant Classification Sherloc (09022015). Collection method: clinical testing. Allele origin: germline.
Comment: This sequence change replaces glutamic acid, which is acidic and polar, with aspartic acid, which is acidic and polar, at codon 2924 of the BRCA2 protein (p.Glu2924Asp). This variant is not present in population databases (gnomAD no frequency). This variant has not been reported in the literature in individuals affected with BRCA2-related conditions. ClinVar contains an entry for this variant (Variation ID: 575703). Invitae Evidence Modeling of protein sequence and biophysical properties (such as structural, functional, and spatial information, amino acid conservation, physicochemical variation, residue mobility, and thermodynamic stability) indicates that this missense variant is not expected to disrupt BRCA2 protein function with a negative predictive value of 95%. In summary, the available evidence is currently insufficient to determine the role of this variant in disease. Therefore, it has been classified as a Variant of Uncertain Significance.

Institute for Biomarker Research, Medical Diagnostic Laboratories, L.L.C.
Classification: Uncertain significance for Hereditary breast ovarian cancer syndrome. Last evaluated: 2023-05-16. Review status: criteria provided, single submitter. Criteria: ACMG Guidelines, 2015. Collection method: clinical testing. Allele origin: germline.

Color Diagnostics, LLC DBA Color Health
Classification: Uncertain significance for Hereditary cancer-predisposing syndrome. Last evaluated: 2020-02-07. Review status: criteria provided, single submitter. Criteria: ACMG Guidelines, 2015. Collection method: clinical testing. Allele origin: germline.
Comment: This missense variant replaces glutamic acid with aspartic acid at codon 2924 of the BRCA2 protein. Computational prediction suggests that this variant may not impact protein structure and function (internally defined REVEL score threshold <= 0.5, PMID: 27666373). Splice site prediction tools suggest that this variant may not impact RNA splicing. To our knowledge, functional studies have not been performed for this variant. This variant has not been reported in individuals affected with hereditary cancer in the literature. This variant has not been identified in the general population by the Genome Aggregation Database (gnomAD). The available evidence is insufficient to determine the role of this variant in disease conclusively. Therefore, this variant is classified as a Variant of Uncertain Significance.